The following is an entry in ClinVar:

ClinVar aggregate classification (germline): Uncertain significance (1 of 4 stars; one submission).

Allele frequency attached by ClinVar (database versions not stated): ExAC 0.00002.
gnomAD v4.1: 11 of 1,608,798 alleles (0.00068%); highest among the groups gnomAD compares: East Asian, 0.0022%; no homozygotes.

Submission:

Labcorp Genetics (formerly Invitae), Labcorp
Classification: Uncertain significance. Last evaluated: 2021-12-25. Review status: criteria provided, single submitter. Criteria: Invitae Variant Classification Sherloc (09022015). Collection method: clinical testing. Allele origin: germline.
Comment: In summary, the available evidence is currently insufficient to determine the role of this variant in disease. Therefore, it has been classified as a Variant of Uncertain Significance. Algorithms developed to predict the effect of missense changes on protein structure and function are either unavailable or do not agree on the potential impact of this missense change (SIFT: "Deleterious"; PolyPhen-2: "Probably Damaging"; Align-GVGD: "Class C0"). This variant has not been reported in the literature in individuals affected with SI-related conditions. This variant is present in population databases (rs778886006, gnomAD 0.006%). This sequence change replaces arginine, which is basic and polar, with histidine, which is basic and polar, at codon 958 of the SI protein (p.Arg958His).

NM_001041.4(SI):c.2873G>A (p.Arg958His)

Gene: SI (sucrase-isomaltase; minus strand). Cytogenetic location: 3q26.1.
Variant type: single nucleotide variant.
Coding change: c.2873G>A on transcript NM_001041.4 (MANE Select); coding-DNA position 2873, G replaced by A.
Protein change: p.Arg958His; replaces arginine 958 with histidine.
Molecular consequence: missense variant.
Genome position (GRCh38, 1-based): chr3:165,030,731, C>T on the plus strand (G>A on the coding strand, the complement: SI is on the minus strand). VCF-style: chr3-165030731-C-T. GRCh37 (hg19) VCF-style: chr3-164748519-C-T.
Other names: short protein forms R958H.
Identifiers: ClinVar variation 2060395 (VCV002060395.4), dbSNP rs778886006, ClinGen allele CA2690480.
Genomic context (GRCh38, chr3:165,030,731, plus strand): 5'-GTGATAACCATATCATGAGTAATAGTTAAAATTATTATTACCGTTCTCCATACACAGCCA[C>T]GTTGTGTGCACTTTTGTTCAGTTGCCAAATCTGCATCTGGATAACAATTAAATCTTTCAT-3'
Protein context (NP_001032.2, residues 948-968): DLATEQKCTQ[Arg958His]GCVWRTGSSL